The following is an entry in ClinVar:

NM_020708.5(SLC12A5):c.1084T>A (p.Tyr362Asn)

Gene: SLC12A5 (solute carrier family 12 member 5; plus strand). Cytogenetic location: 20q13.12.
Variant type: single nucleotide variant.
Coding change: c.1084T>A on transcript NM_020708.5 (MANE Select); coding-DNA position 1084, T replaced by A.
Protein change: p.Tyr362Asn; replaces tyrosine 362 with asparagine.
Molecular consequence: missense variant.
Genome position (GRCh38, 1-based): chr20:46,043,170, T>A. VCF-style: chr20-46043170-T-A. GRCh37 (hg19) VCF-style: chr20-44671809-T-A.
Other names: c.1153T>A, p.Tyr385Asn (NM_001134771.2); short protein forms Y362N, Y385N.
Identifiers: ClinVar variation 1722244 (VCV001722244.6), dbSNP rs1202818249, ClinGen allele CA409191526.

ClinVar aggregate classification (germline): Uncertain significance (1 of 4 stars; one submission).

Conditions:
Developmental and epileptic encephalopathy, 34 (DEE34). Also called: Early infantile epileptic encephalopathy 34; SLC12A5-Related Epilepsy of Infancy with Migrating Focal Seizures. Identifiers: Orphanet 293181, MedGen C4225257, MONDO:0014718, OMIM 616645.

Submission:

Labcorp Genetics (formerly Invitae), Labcorp
Classification: Uncertain significance for Developmental and epileptic encephalopathy, 34. Last evaluated: 2022-07-22. Review status: criteria provided, single submitter. Criteria: Invitae Variant Classification Sherloc (09022015). Collection method: clinical testing. Allele origin: germline.
Comment: In summary, the available evidence is currently insufficient to determine the role of this variant in disease. Therefore, it has been classified as a Variant of Uncertain Significance. Advanced modeling of protein sequence and biophysical properties (such as structural, functional, and spatial information, amino acid conservation, physicochemical variation, residue mobility, and thermodynamic stability) performed at Invitae indicates that this missense variant is expected to disrupt SLC12A5 protein function. This variant has not been reported in the literature in individuals affected with SLC12A5-related conditions. This variant is not present in population databases (gnomAD no frequency). This sequence change replaces tyrosine, which is neutral and polar, with asparagine, which is neutral and polar, at codon 362 of the SLC12A5 protein (p.Tyr362Asn).